The following is an entry in ClinVar:

ClinVar aggregate classification (germline): Conflicting classifications of pathogenicity. Review status: criteria provided, conflicting classifications (1 of 4 stars). 3 submissions from 3 submitters: Uncertain significance (1); Likely benign (2). Last evaluated 2026-08-10.

Conditions:
COL11A2-related disorder. Also called: COL11A2-related disorders; COL11A2-related condition.

Allele frequency attached by ClinVar (database versions not stated): ExAC 0.00001; gnomAD exomes 0.00001; gnomAD 0.00002; TOPMed 0.00003.
gnomAD v4.1: 9 of 1,600,008 alleles (0.00056%); highest among the groups gnomAD compares: African/African-American, 0.008%; no homozygotes.

Submissions (3):

PreventionGenetics, part of Exact Sciences
Classification: Likely benign for COL11A2-related condition. Last evaluated: 2026-08-10. Review status: criteria provided, single submitter. Criteria: ACMG Guidelines, 2015. Collection method: clinical testing. Allele origin: germline.
Comment: This variant is classified as likely benign based on ACMG/AMP sequence variant interpretation guidelines (Richards et al. 2015 PMID: 25741868, with internal and published modifications).

Labcorp Genetics (formerly Invitae), Labcorp
Classification: Likely benign. Last evaluated: 2025-03-05. Review status: criteria provided, single submitter. Criteria: Invitae Variant Classification Sherloc (09022015). Collection method: clinical testing. Allele origin: germline.

GeneDx
Classification: Uncertain significance. Last evaluated: 2022-10-05. Review status: criteria provided, single submitter. Criteria: GeneDx Variant Classification Process June 2021. Collection method: clinical testing. Allele origin: germline. Affected: yes.
Comment: Has not been previously published as pathogenic or benign to our knowledge; Not observed at significant frequency in large population cohorts (gnomAD); In silico analysis supports that this variant does not alter splicing

NM_080680.3(COL11A2):c.4395A>G (p.Gly1465=)

Gene: COL11A2 (collagen type XI alpha 2 chain; minus strand). Cytogenetic location: 6p21.32.
Variant type: single nucleotide variant.
Coding change: c.4395A>G on transcript NM_080680.3 (MANE Select); coding-DNA position 4395, A replaced by G.
Protein change: p.Gly1465=; no amino-acid change (glycine 1465 retained).
Molecular consequence: synonymous variant.
Genome position (GRCh38, 1-based): chr6:33,166,204, T>C on the plus strand (A>G on the coding strand, the complement: COL11A2 is on the minus strand). VCF-style: chr6-33166204-T-C. GRCh37 (hg19) VCF-style: chr6-33133981-T-C.
Other names: c.4074A>G, p.Gly1358= (NM_080679.3); c.4137A>G, p.Gly1379= (NM_080681.3).
Identifiers: ClinVar variation 2498033 (VCV002498033.5), dbSNP rs748811826, ClinGen allele CA3750100.